The following is an entry in ClinVar:

NM_014254.3(RXYLT1):c.326-3C>G

Gene: RXYLT1 (ribitol xylosyltransferase 1; plus strand). Cytogenetic location: 12q14.2.
Variant type: single nucleotide variant.
Coding change: c.326-3C>G on transcript NM_014254.3 (MANE Select); 3 bases into the intron before coding-DNA position 326, C replaced by G.
Molecular consequence: intron variant.
Genome position (GRCh38, 1-based): chr12:63,784,967, C>G. VCF-style: chr12-63784967-C-G. GRCh37 (hg19) VCF-style: chr12-64178747-C-G.
Other names: c.-455-3C>G (NM_001278237.2).
Identifiers: ClinVar variation 1035521 (VCV001035521.6), dbSNP rs1298243428, ClinGen allele CA605358652.

ClinVar aggregate classification (germline): Uncertain significance (1 of 4 stars; one submission).

Allele frequency attached by ClinVar (database versions not stated): gnomAD exomes below 0.00001.
gnomAD v4.1: 5 of 1,611,884 alleles (0.00031%); highest among the groups gnomAD compares: South Asian, 0.0011%; no homozygotes.

Submission:

Labcorp Genetics (formerly Invitae), Labcorp
Classification: Uncertain significance. Last evaluated: 2020-08-20. Review status: criteria provided, single submitter. Criteria: Invitae Variant Classification Sherloc (09022015). Collection method: clinical testing. Allele origin: germline.
Comment: This sequence change falls in intron 2 of the RXYLT1 gene. It does not directly change the encoded amino acid sequence of the RXYLT1 protein, but it affects a nucleotide within the consensus splice site of the intron. This variant is not present in population databases (ExAC no frequency). This variant has not been reported in the literature in individuals with RXYLT1-related conditions. Nucleotide substitutions within the consensus splice site are a relatively common cause of aberrant splicing (PMID: 17576681, 9536098). Algorithms developed to predict the effect of sequence changes on RNA splicing suggest that this variant may disrupt the consensus splice site, but this prediction has not been confirmed by published transcriptional studies. In summary, the available evidence is currently insufficient to determine the role of this variant in disease. Therefore, it has been classified as a Variant of Uncertain Significance.

Literature cited by the submitters: PubMed 17576681; PubMed 9536098.